The following is an entry in ClinVar:

ClinVar aggregate classification (germline): Conflicting classifications of pathogenicity. Review status: criteria provided, conflicting classifications (1 of 4 stars). 6 submissions from 6 submitters: Uncertain significance (2); Benign (1); Likely benign (3). Last evaluated 2025-12-03.

Conditions:
Hereditary cancer-predisposing syndrome. Also called: Hereditary neoplastic syndrome; Neoplastic Syndromes, Hereditary; Hereditary Cancer Syndrome; Tumor predisposition. Identifiers: Orphanet 140162, MedGen C0027672, MeSH D009386, MONDO:0015356.
Tuberous sclerosis 2 (TSC2). Identifiers: Orphanet 805, MedGen C1860707, MONDO:0013199, OMIM 613254.
Tuberous sclerosis syndrome (TSC). Also called: Tuberous sclerosis; Tuberous Sclerosis Complex. Identifiers: Orphanet 805, MedGen C0041341, MONDO:0001734.

Allele frequency attached by ClinVar (database versions not stated): gnomAD 0.00001; gnomAD exomes 0.00001 and 0.00003; TOPMed 0.00002; ExAC 0.00003.
gnomAD v4.1: 10 of 1,611,560 alleles (0.00062%); highest among the groups gnomAD compares: East Asian, 0.02%; no homozygotes.

Submissions (6):

Labcorp Genetics (formerly Invitae), Labcorp
Classification: Likely benign for Tuberous sclerosis 2. Last evaluated: 2025-12-03. Review status: criteria provided, single submitter. Criteria: Invitae Variant Classification Sherloc (09022015). Collection method: clinical testing. Allele origin: germline.

Color Diagnostics, LLC DBA Color Health
Classification: Benign for Tuberous sclerosis syndrome. Last evaluated: 2025-07-03. Review status: criteria provided, single submitter. Criteria: ACMG Guidelines, 2015. Collection method: clinical testing. Allele origin: germline.

Myriad Genetics, Inc.
Classification: Likely benign for Tuberous sclerosis 2. Last evaluated: 2024-08-13. Review status: criteria provided, single submitter. Criteria: Myriad Autosomal Dominant, Autosomal Recessive and X-Linked Classification Criteria (2023). Collection method: clinical testing. Allele origin: unknown.
Comment: This variant is considered likely benign. This variant has been observed at a population frequency that is significantly greater than expected given the associated disease prevalence and penetrance.

All of Us Research Program, National Institutes of Health
Classification: Uncertain significance for Tuberous sclerosis syndrome. Last evaluated: 2023-05-04. Review status: criteria provided, single submitter. Criteria: ACMG Guidelines, 2015. Collection method: clinical testing. Allele origin: germline. Inheritance: Autosomal dominant inheritance. Observed: 1 variant allele, 1 heterozygote.
Comment: This missense variant replaces valine with alanine at codon 789 of the TSC2 protein. Computational prediction suggests that this variant may have deleterious impact on protein structure and function (internally defined REVEL score threshold >= 0.7, PMID: 27666373). To our knowledge, functional studies have not been reported for this variant. This variant has not been reported in individuals affected with tuberous sclerosis complex in the literature. This variant has been identified in 8/280490 chromosomes in the general population by the Genome Aggregation Database (gnomAD). The available evidence is insufficient to determine the role of this variant in disease conclusively. Therefore, this variant is classified as a Variant of Uncertain Significance.

This study involves interpretation of variants in research participants for the purpose of population health screening. Participant phenotype was not available at the time of variant classification. Additional details can be found in publication PMID: 35346344, PMCID: PMC8962531

GeneDx
Classification: Uncertain significance. Last evaluated: 2022-10-12. Review status: criteria provided, single submitter. Criteria: GeneDx Variant Classification Process June 2021. Collection method: clinical testing. Allele origin: germline. Affected: yes.
Comment: In silico analysis supports that this missense variant has a deleterious effect on protein structure/function; Has not been previously published as pathogenic or benign to our knowledge; This variant is associated with the following publications: (PMID: 23292937)

Ambry Genetics
Classification: Likely benign for Hereditary cancer-predisposing syndrome. Last evaluated: 2021-09-30. Review status: criteria provided, single submitter. Criteria: Ambry Variant Classification Scheme 2023. Collection method: clinical testing. Allele origin: germline.

NM_000548.5(TSC2):c.2366T>C (p.Val789Ala)

Gene: TSC2 (TSC complex subunit 2; plus strand). Cytogenetic location: 16p13.3.
Variant type: single nucleotide variant.
Coding change: c.2366T>C on transcript NM_000548.5 (MANE Select); coding-DNA position 2366, T replaced by C.
Protein change: p.Val789Ala; replaces valine 789 with alanine.
Molecular consequence: missense variant.
Genome position (GRCh38, 1-based): chr16:2,074,210, T>C. VCF-style: chr16-2074210-T-C. GRCh37 (hg19) VCF-style: chr16-2124211-T-C.
Other names: c.2366T>C, p.Val789Ala (NM_001077183.3, NM_001114382.3, NM_001363528.2 and 3 more transcripts); c.2255T>C, p.Val752Ala (NM_001318827.2); c.2219T>C, p.Val740Ala (NM_001318829.2); c.1766T>C, p.Val589Ala (NM_001318831.2); c.2399T>C, p.Val800Ala (NM_001318832.2); short protein forms V789A, V752A, V589A, V740A, V800A.
Identifiers: ClinVar variation 569171 (VCV000569171.17), dbSNP rs748669016, ClinGen allele CA038784.